The following is an entry in ClinVar:

ClinVar aggregate classification (germline): Likely pathogenic (1 of 4 stars; one submission).

Conditions:
Autosomal recessive limb-girdle muscular dystrophy type 2J (LGMDR10). Also called: MUSCULAR DYSTROPHY, LIMB-GIRDLE, AUTOSOMAL RECESSIVE 10; Limb-girdle muscular dystrophy, type 2J. Identifiers: Orphanet 140922, MedGen C1837342, MONDO:0012127, OMIM 608807.
Dilated cardiomyopathy 1G (CMD1G). Identifiers: Orphanet 154, MedGen C1858763, MONDO:0011400, OMIM 604145.

Submission:

Labcorp Genetics (formerly Invitae), Labcorp
Classification: Likely pathogenic for Dilated cardiomyopathy 1G; Autosomal recessive limb-girdle muscular dystrophy type 2J. Last evaluated: 2019-12-18. Review status: criteria provided, single submitter. Criteria: Invitae Variant Classification Sherloc (09022015). Collection method: clinical testing. Allele origin: germline.
Comment: In summary, the currently available evidence indicates that the variant is pathogenic, but additional data are needed to prove that conclusively. Therefore, this variant has been classified as Likely Pathogenic. This variant is located in the A band of TTN (PMID: 25589632). Truncating variants in this region are significantly overrepresented in patients affected with dilated cardiomyopathy (PMID: 25589632). Truncating variants in this region have also been reported in individuals affected with autosomal recessive centronuclear myopathy (PMID: 23975875). This variant has not been reported in the literature in individuals with TTN-related conditions. This variant is not present in population databases (ExAC no frequency). This sequence change results in a premature translational stop signal in the TTN gene (p.Glu30029*). While this is not anticipated to result in nonsense mediated decay, it is expected to create a truncated TTN protein.

Literature cited by the submitters: PubMed 25589632; PubMed 23975875.

NM_001267550.2(TTN):c.90085G>T (p.Glu30029Ter)

Genes: TTN (titin; minus strand), TTN-AS1 (TTN antisense RNA 1; plus strand). Cytogenetic location: 2q31.2.
Variant type: single nucleotide variant.
Coding change: c.90085G>T on transcript NM_001267550.2 (MANE Select); coding-DNA position 90085, G replaced by T.
Protein change: p.Glu30029Ter; replaces glutamic acid 30029 with a stop codon.
Molecular consequence: nonsense.
Genome position (GRCh38, 1-based): chr2:178,552,815, C>A on the plus strand (G>T on the coding strand, the complement: TTN is on the minus strand). VCF-style: chr2-178552815-C-A. GRCh37 (hg19) VCF-style: chr2-179417542-C-A.
Other names: c.85162G>T, p.Glu28388Ter (NM_001256850.1); c.62890G>T, p.Glu20964Ter (NM_003319.4); c.82381G>T, p.Glu27461Ter (NM_133378.4); c.63265G>T, p.Glu21089Ter (NM_133432.3); c.63466G>T, p.Glu21156Ter (NM_133437.4); short protein forms E28388*, E30029*, E21089*, E20964*, E21156*, E27461*.
Identifiers: ClinVar variation 850463 (VCV000850463.10), dbSNP rs1699948037, ClinGen allele CA349513908.